The following is an entry in ClinVar:

NM_145239.3(PRRT2):c.931C>G (p.Arg311Gly)

Genes: MVP-DT (MVP divergent transcript; minus strand), PRRT2 (proline rich transmembrane protein 2; plus strand). Cytogenetic location: 16p11.2.
Variant type: single nucleotide variant.
Coding change: c.931C>G on transcript NM_145239.3 (MANE Select); coding-DNA position 931, C replaced by G.
Protein change: p.Arg311Gly; replaces arginine 311 with glycine.
Molecular consequence: missense variant. On other transcripts: 3 prime UTR variant (2).
Genome position (GRCh38, 1-based): chr16:29,814,384, C>G. VCF-style: chr16-29814384-C-G. GRCh37 (hg19) VCF-style: chr16-29825705-C-G.
Other names: c.931C>G, p.Arg311Gly (NM_001256442.2, NM_001438120.1, NM_001438121.1); c.*430C>G (NM_001256443.2, NM_001438122.1); short protein forms R311G.
Identifiers: ClinVar variation 4802986 (VCV004802986.1).

ClinVar aggregate classification (germline): Likely pathogenic (1 of 4 stars; one submission).

Conditions:
Episodic kinesigenic dyskinesia (EKD). Also called: Paroxysmal kinesigenic dyskinesia. Identifiers: Orphanet 98809, MedGen C1868682, MONDO:0044202.

Submission:

Labcorp Genetics (formerly Invitae), Labcorp
Classification: Likely pathogenic for Episodic kinesigenic dyskinesia. Last evaluated: 2025-04-08. Review status: criteria provided, single submitter. Criteria: Invitae Variant Classification Sherloc (09022015). Collection method: clinical testing. Allele origin: germline.
Comment: This sequence change replaces arginine, which is basic and polar, with glycine, which is neutral and non-polar, at codon 311 of the PRRT2 protein (p.Arg311Gly). This variant is not present in population databases (gnomAD no frequency). This variant has not been reported in the literature in individuals affected with PRRT2-related conditions. Invitae Evidence Modeling of protein sequence and biophysical properties (such as structural, functional, and spatial information, amino acid conservation, physicochemical variation, residue mobility, and thermodynamic stability) indicates that this missense variant is expected to disrupt PRRT2 protein function with a positive predictive value of 95%. This variant disrupts the p.Arg311 amino acid residue in PRRT2. Other variant(s) that disrupt this residue have been determined to be pathogenic (internal data). This suggests that this residue is clinically significant, and that variants that disrupt this residue are likely to be disease-causing. In summary, the currently available evidence indicates that the variant is pathogenic, but additional data are needed to prove that conclusively. Therefore, this variant has been classified as Likely Pathogenic.